The following is an entry in ClinVar:

ClinVar aggregate classification (germline): Uncertain significance (1 of 4 stars; one submission).

Conditions:
Primary ciliary dyskinesia. Also called: Ciliary dyskinesia. Identifiers: Orphanet 244, MedGen C0008780, MONDO:0016575, HP:0012265.

Allele frequency attached by ClinVar (database versions not stated): gnomAD exomes below 0.00001.
gnomAD v4.1: 1 of 1,611,084 alleles (0.000062%); highest among the groups gnomAD compares: Non-Finnish European, 0.000085%; no homozygotes.

Submission:

Labcorp Genetics (formerly Invitae), Labcorp
Classification: Uncertain significance for Primary ciliary dyskinesia. Last evaluated: 2022-08-09. Review status: criteria provided, single submitter. Criteria: Invitae Variant Classification Sherloc (09022015). Collection method: clinical testing. Allele origin: germline.
Comment: In summary, the available evidence is currently insufficient to determine the role of this variant in disease. Therefore, it has been classified as a Variant of Uncertain Significance. Advanced modeling of protein sequence and biophysical properties (such as structural, functional, and spatial information, amino acid conservation, physicochemical variation, residue mobility, and thermodynamic stability) performed at Invitae indicates that this missense variant is not expected to disrupt DNAH11 protein function. ClinVar contains an entry for this variant (Variation ID: 846530). This missense change has been observed in individual(s) with clinical features of DNAH11-related conditions (Invitae). This variant is not present in population databases (gnomAD no frequency). This sequence change replaces histidine, which is basic and polar, with arginine, which is basic and polar, at codon 241 of the DNAH11 protein (p.His241Arg).

NM_001277115.2(DNAH11):c.722A>G (p.His241Arg)

Gene: DNAH11 (dynein axonemal heavy chain 11; plus strand). Cytogenetic location: 7p15.3.
Variant type: single nucleotide variant.
Coding change: c.722A>G on transcript NM_001277115.2 (MANE Select); coding-DNA position 722, A replaced by G.
Protein change: p.His241Arg; replaces histidine 241 with arginine.
Molecular consequence: missense variant.
Genome position (GRCh38, 1-based): chr7:21,559,632, A>G. VCF-style: chr7-21559632-A-G. GRCh37 (hg19) VCF-style: chr7-21599250-A-G.
Other names: short protein forms H241R.
Identifiers: ClinVar variation 846530 (VCV000846530.10), dbSNP rs1783371740, ClinGen allele CA366932749.